The following is an entry in ClinVar:

NM_003721.4(RFXANK):c.305A>T (p.Glu102Val)

Gene: RFXANK (regulatory factor X associated ankyrin containing protein; plus strand). Cytogenetic location: 19p13.11.
Variant type: single nucleotide variant.
Coding change: c.305A>T on transcript NM_003721.4 (MANE Select); coding-DNA position 305, A replaced by T.
Protein change: p.Glu102Val; replaces glutamic acid 102 with valine.
Molecular consequence: missense variant. On other transcripts: intron variant (4).
Genome position (GRCh38, 1-based): chr19:19,197,219, A>T. VCF-style: chr19-19197219-A-T. GRCh37 (hg19) VCF-style: chr19-19308028-A-T.
Other names: c.305A>T, p.Glu102Val (NM_001370233.1, NM_001370238.1); c.302A>T, p.Glu101Val (NM_001370235.1, NM_001370236.1, NM_001370237.1); c.271+173A>T (NM_001278727.2, NM_001370234.1); c.268+173A>T (NM_134440.3, NM_001278728.2); short protein forms E102V, E101V.
Identifiers: ClinVar variation 1445230 (VCV001445230.5), dbSNP rs766230948, ClinGen allele CA9322677.

ClinVar aggregate classification (germline): Uncertain significance (1 of 4 stars; one submission).

Conditions:
MHC class II deficiency. Also called: BLS, TYPE II; Bare lymphocyte syndrome 2. Identifiers: Orphanet 572, MedGen C5447452, MONDO:0008855.

Allele frequency attached by ClinVar (database versions not stated): ExAC 0.00002; gnomAD 0.00002; gnomAD exomes 0.00002; TOPMed 0.00002.
gnomAD v4.1: 36 of 1,613,156 alleles (0.0022%); highest among the groups gnomAD compares: South Asian, 0.0033%; no homozygotes.

Submission:

Labcorp Genetics (formerly Invitae), Labcorp
Classification: Uncertain significance for MHC class II deficiency. Last evaluated: 2023-12-07. Review status: criteria provided, single submitter. Criteria: Invitae Variant Classification Sherloc (09022015). Collection method: clinical testing. Allele origin: germline.
Comment: This sequence change replaces glutamic acid, which is acidic and polar, with valine, which is neutral and non-polar, at codon 102 of the RFXANK protein (p.Glu102Val). This variant is present in population databases (rs766230948, gnomAD 0.006%). This variant has not been reported in the literature in individuals affected with RFXANK-related conditions. ClinVar contains an entry for this variant (Variation ID: 1445230). Advanced modeling of protein sequence and biophysical properties (such as structural, functional, and spatial information, amino acid conservation, physicochemical variation, residue mobility, and thermodynamic stability) has been performed at Invitae for this missense variant, however the output from this modeling did not meet the statistical confidence thresholds required to predict the impact of this variant on RFXANK protein function. In summary, the available evidence is currently insufficient to determine the role of this variant in disease. Therefore, it has been classified as a Variant of Uncertain Significance.